The following is an entry in ClinVar:

NM_000017.4(ACADS):c.361-2A>T

Gene: ACADS (acyl-CoA dehydrogenase short chain; plus strand). Cytogenetic location: 12q24.31.
Variant type: single nucleotide variant.
Coding change: c.361-2A>T on transcript NM_000017.4 (MANE Select); the canonical splice acceptor site of the intron before coding-DNA position 361, A replaced by T.
Molecular consequence: splice acceptor variant.
Genome position (GRCh38, 1-based): chr12:120,737,354, A>T. VCF-style: chr12-120737354-A-T. GRCh37 (hg19) VCF-style: chr12-121175157-A-T.
Other names: c.361-2A>T (NM_001302554.2).
Identifiers: ClinVar variation 2628852 (VCV002628852.1), dbSNP rs951773023, ClinGen allele CA244522014.

ClinVar aggregate classification (germline): Likely pathogenic (1 of 4 stars; one submission).

Conditions:
ACADS-related disorder. Also called: ACADS-related condition.

Allele frequency attached by ClinVar (database versions not stated): TOPMed 0.00002.

Submission:

PreventionGenetics, part of Exact Sciences
Classification: Likely pathogenic for ACADS-related condition. Last evaluated: 2023-04-07. Review status: criteria provided, single submitter. Criteria: ACMG Guidelines, 2015. Collection method: clinical testing. Allele origin: germline.
Comment: The ACADS c.361-2A>T variant is predicted to disrupt the AG splice acceptor site and interfere with normal splicing. To our knowledge, this variant has not been reported in the literature or in a large population database, indicating this variant is rare. Variants that disrupt the consensus splice acceptor site in ACADS are expected to be pathogenic. This variant is interpreted as likely pathogenic.